The following is an entry in ClinVar:

NM_006904.7(PRKDC):c.849C>A (p.Ser283Arg)

Gene: PRKDC (protein kinase, DNA-activated, catalytic subunit; minus strand). Cytogenetic location: 8q11.21.
Variant type: single nucleotide variant.
Coding change: c.849C>A on transcript NM_006904.7 (MANE Select); coding-DNA position 849, C replaced by A.
Protein change: p.Ser283Arg; replaces serine 283 with arginine.
Molecular consequence: missense variant.
Genome position (GRCh38, 1-based): chr8:47,943,326, G>T on the plus strand (C>A on the coding strand, the complement: PRKDC is on the minus strand). VCF-style: chr8-47943326-G-T. GRCh37 (hg19) VCF-style: chr8-48855886-G-T.
Other names: c.849C>A, p.Ser283Arg (NM_001081640.2); short protein forms S283R.
Identifiers: ClinVar variation 1998374 (VCV001998374.4), dbSNP rs2551880632, ClinGen allele CA371136239.
Genomic context (GRCh38, chr8:47,943,326, plus strand): 5'-GTGGGCACACCACTTTAACAAGACTTCAAATAGAGACACGTAGTTGTCCAGAAGGCAGGT[G>T]CTAAACTGAGATGCATGCAGGGCAAATAGGCGCAAGCCAGCTGCAAATGCAAATGCCATT-3'
Protein context (NP_008835.5, residues 273-293): RLFALHASQF[Ser283Arg]TCLLDNYVSL

ClinVar aggregate classification (germline): Uncertain significance (1 of 4 stars; one submission).

Conditions:
Severe combined immunodeficiency due to DNA-PKcs deficiency. Also called: IMMUNODEFICIENCY 26 WITH NEUROLOGIC ABNORMALITIES; Immunodeficiency 26 with or without neurologic abnormalities. Identifiers: Orphanet 317425, MedGen C4014833, MONDO:0014423, OMIM 615966.

Submission:

Labcorp Genetics (formerly Invitae), Labcorp
Classification: Uncertain significance for Severe combined immunodeficiency due to DNA-PKcs deficiency. Last evaluated: 2023-08-04. Review status: criteria provided, single submitter. Criteria: Invitae Variant Classification Sherloc (09022015). Collection method: clinical testing. Allele origin: germline.
Comment: This sequence change replaces serine, which is neutral and polar, with arginine, which is basic and polar, at codon 283 of the PRKDC protein (p.Ser283Arg). This variant is not present in population databases (gnomAD no frequency). This variant has not been reported in the literature in individuals affected with PRKDC-related conditions. ClinVar contains an entry for this variant (Variation ID: 1998374). Advanced modeling of protein sequence and biophysical properties (such as structural, functional, and spatial information, amino acid conservation, physicochemical variation, residue mobility, and thermodynamic stability) performed at Invitae indicates that this missense variant is not expected to disrupt PRKDC protein function. In summary, the available evidence is currently insufficient to determine the role of this variant in disease. Therefore, it has been classified as a Variant of Uncertain Significance.